The following is an entry in ClinVar:

NM_001134363.3(RBM20):c.3489C>A (p.Cys1163Ter)

Gene: RBM20 (RNA binding motif protein 20; plus strand). Cytogenetic location: 10q25.2.
Variant type: single nucleotide variant.
Coding change: c.3489C>A on transcript NM_001134363.3 (MANE Select); coding-DNA position 3489, C replaced by A.
Protein change: p.Cys1163Ter; replaces cysteine 1163 with a stop codon.
Molecular consequence: nonsense.
Genome position (GRCh38, 1-based): chr10:110,831,098, C>A. VCF-style: chr10-110831098-C-A. GRCh37 (hg19) VCF-style: chr10-112590856-C-A.
Other names: c.3489C>A (NM_001134363.1); short protein forms C1163*.
Identifiers: ClinVar variation 1017919 (VCV001017919.7), dbSNP rs1395153921, ClinGen allele CA378386496.

ClinVar aggregate classification (germline): Conflicting classifications of pathogenicity. Review status: criteria provided, conflicting classifications (1 of 4 stars). 2 submissions from 2 submitters: Pathogenic (1); Uncertain significance (1). Last evaluated 2025-11-21.

Conditions:
Cardiovascular phenotype. Identifiers: MedGen CN230736.
Dilated cardiomyopathy 1DD (CMD1DD). Identifiers: Orphanet 154, MedGen C2750995, MONDO:0013168, OMIM 613172.

Submissions (2):

Labcorp Genetics (formerly Invitae), Labcorp
Classification: Pathogenic for Dilated cardiomyopathy 1DD. Last evaluated: 2025-11-21. Review status: criteria provided, single submitter. Criteria: Invitae Variant Classification Sherloc (09022015). Collection method: clinical testing. Allele origin: germline.
Comment: This sequence change creates a premature translational stop signal (p.Cys1163*) in the RBM20 gene. It is expected to result in an absent or disrupted protein product. Loss-of-function variants in RBM20 are known to be pathogenic (PMID: 20590677, 22004663, 38288598, 38510713, 40339755). This variant is not present in population databases (gnomAD no frequency). This variant has not been reported in the literature in individuals affected with RBM20-related conditions. ClinVar contains an entry for this variant (Variation ID: 1017919). For these reasons, this variant has been classified as Pathogenic.

Ambry Genetics
Classification: Uncertain significance for Cardiovascular phenotype. Last evaluated: 2025-08-22. Review status: criteria provided, single submitter. Criteria: Ambry Variant Classification Scheme 2023. Collection method: clinical testing. Allele origin: germline.
Comment: The p.C1163* variant (also known as c.3489C>A), located in coding exon 13 of the RBM20 gene, results from a C to A substitution at nucleotide position 3489. This changes the amino acid from a cysteine to a stop codon within coding exon 13. This alteration is expected to result in protein truncation or nonsense-mediated mRNA decay. However, loss of function of RBM20 has not been established as a mechanism of disease. Based on the available evidence, the clinical significance of this alteration remains unclear.

Literature cited by the submitters: PubMed 20590677 (cited by Labcorp Genetics (formerly Invitae), Labcorp); PubMed 22004663 (cited by Labcorp Genetics (formerly Invitae), Labcorp); PubMed 38288598 (cited by Labcorp Genetics (formerly Invitae), Labcorp); PubMed 38510713 (cited by Labcorp Genetics (formerly Invitae), Labcorp); PubMed 40339755 (cited by Labcorp Genetics (formerly Invitae), Labcorp).